The following is an entry in ClinVar:

ClinVar aggregate classification (germline): Uncertain significance (1 of 4 stars; one submission).

Conditions:
Inborn genetic diseases. Identifiers: MedGen C0950123, MeSH D030342.

Allele frequency attached by ClinVar (database versions not stated): gnomAD 0.00001; TOPMed 0.00001; ESP Exome Variant Server 0.00008.
gnomAD v4.1: 4 of 1,614,058 alleles (0.00025%); highest among the groups gnomAD compares: Non-Finnish European, 0.00034%; no homozygotes.

Submission:

Ambry Genetics
Classification: Uncertain significance for Inborn genetic diseases. Last evaluated: 2020-12-22. Review status: criteria provided, single submitter. Criteria: Ambry Variant Classification Scheme 2023. Collection method: clinical testing. Allele origin: germline.
Comment: The p.S2440P variant (also known as c.7318T>C), located in coding exon 26 of the WNK1 gene, results from a T to C substitution at nucleotide position 7318. The serine at codon 2440 is replaced by proline, an amino acid with similar properties. This amino acid position is highly conserved in available vertebrate species. In addition, this alteration is predicted to be deleterious by in silico analysis. Since supporting evidence is limited at this time, the clinical significance of this alteration remains unclear.

NM_018979.4(WNK1):c.6562T>C (p.Ser2188Pro)

Gene: WNK1 (WNK lysine deficient protein kinase 1; plus strand). Cytogenetic location: 12p13.33.
Variant type: single nucleotide variant.
Coding change: c.6562T>C on transcript NM_018979.4 (MANE Select); coding-DNA position 6562, T replaced by C.
Protein change: p.Ser2188Pro; replaces serine 2188 with proline.
Molecular consequence: missense variant.
Genome position (GRCh38, 1-based): chr12:900,589, T>C. VCF-style: chr12-900589-T-C. GRCh37 (hg19) VCF-style: chr12-1009755-T-C.
Other names: c.7342T>C, p.Ser2448Pro (NM_001184985.2); c.5818T>C, p.Ser1940Pro (NM_014823.3); c.7318T>C, p.Ser2440Pro (NM_213655.5); short protein forms S2188P, S2448P, S2440P, S1940P.
Identifiers: ClinVar variation 1758288 (VCV001758288.2), dbSNP rs141322375, ClinGen allele CA231490203.
Genomic context (GRCh38, chr12:900,589, plus strand): 5'-CACCCTCCTGGCAACATCCCAGAGTCCGGGCAGAATCAGCTGTTACAGCCCCTTAAGCCA[T>C]CTCCCTCCAGTGACAACCTCTATTCAGCCTTCACCAGTGATGGTGCCATTTCAGTACCAA-3'
Protein context (NP_061852.3, residues 2178-2198): QNQLLQPLKP[Ser2188Pro]PSSDNLYSAF